The following is an entry in ClinVar:

ClinVar aggregate classification (germline): Likely pathogenic (0 of 4 stars; one submission).

Conditions:
Lethal multiystemic syndrome.

Allele frequency attached by ClinVar (database versions not stated): gnomAD exomes below 0.00001.
gnomAD v4.1: 2 of 1,607,572 alleles (0.00012%); highest among the groups gnomAD compares: African/African-American, 0.0013%; no homozygotes.

Submission:

Centre de Génétique Humaine, Institut de Pathologie Et de Génétique
Classification: Likely pathogenic for Lethal multiystemic syndrome. Review status: no assertion criteria provided. Collection method: clinical testing, research, in vitro. Allele origin: inherited, not applicable. Inheritance: Autosomal recessive inheritance. Affected: yes. Observed: 1 homozygote. Functional consequence: Decreased function.
Comment: NAA30 gene is not yet known as a causal gene for human disease. It codes the catalytic subunit of the NatC complex. From a cellular perspective, NatC plays a role in maintaining normal mitochondrial function, as depletion of NAA30 causes mitochondrial fragmentation, reduced membrane potential as well as reduced expression levels of processed mitochondrial matrix proteins in human cancer cell lines .The importance of NatC in embryonic development was already reported in 2006. Morpholino-induced knockdown of NAA30 and NAA35 in zebrafish revealed severe growth and development delay leading to embryonic lethality. Mutations in NAA38 and NAA35 were already described in patients with developmental delay. Muscle biopsy revealed abnormal mitochondrial morphology with focal vanishing of mitochondrial ridges, intramitochondrial glycogen inclusions and rupture of the outer mitochondrial membrane. Functional characterization of NAA30-P151H by in vitro enzymatic assays revealed a reduced catalytic activity towards a NatC-type substrate. In summary, we consider the c.452C>A p.(P151H) variant in NAA30 as likely pathogenic based upon functional evidence, thereby linking the NatC complex to a N-terminal acetylation deficiency related syndrome.

NM_001011713.3(NAA30):c.452C>A (p.Pro151His)

Gene: NAA30 (N-alpha-acetyltransferase 30, NatC catalytic subunit; plus strand). Cytogenetic location: 14q22.3.
Variant type: single nucleotide variant.
Coding change: c.452C>A on transcript NM_001011713.3 (MANE Select); coding-DNA position 452, C replaced by A.
Protein change: p.Pro151His; replaces proline 151 with histidine.
Molecular consequence: missense variant.
Genome position (GRCh38, 1-based): chr14:57,391,409, C>A. VCF-style: chr14-57391409-C-A. GRCh37 (hg19) VCF-style: chr14-57858127-C-A.
Other names: short protein forms P151H.
Identifiers: ClinVar variation 984533 (VCV000984533.4), dbSNP rs2139756536, ClinGen allele CA390053763.